The following is an entry in ClinVar:

NM_000350.3(ABCA4):c.2041C>T (p.Arg681Ter)

Gene: ABCA4 (ATP binding cassette subfamily A member 4; minus strand). Cytogenetic location: 1p22.1.
Variant type: single nucleotide variant.
Coding change: c.2041C>T on transcript NM_000350.3 (MANE Select); coding-DNA position 2041, C replaced by T.
Protein change: p.Arg681Ter; replaces arginine 681 with a stop codon.
Molecular consequence: nonsense.
Genome position (GRCh38, 1-based): chr1:94,060,656, G>A on the plus strand (C>T on the coding strand, the complement: ABCA4 is on the minus strand). VCF-style: chr1-94060656-G-A. GRCh37 (hg19) VCF-style: chr1-94526212-G-A.
Other names: c.2041C>T, p.Arg681Ter (NM_001425324.1); short protein forms R681*.
Identifiers: ClinVar variation 99114 (VCV000099114.71), dbSNP rs61749423, ClinGen allele CA226973.
Genomic context (GRCh38, chr1:94,060,656, plus strand): 5'-ACCAGGTACACCAAATCACTGCATTGGAGACACCCTGATTTTTCAAGGTCTCCTTCAGTC[G>A]CAACTCCTTCTCCAAGACGATGCTCTTCACAGTCATGGAGACAGAGTAGATCCATGCCAG-3'

ClinVar aggregate classification (germline): Pathogenic. Review status: reviewed by expert panel (3 of 4 stars). 21 submissions from 20 submitters: Pathogenic (1). 20 of the submissions do not count toward it. Last evaluated 2026-07-28.

Conditions:
ABCA4-related retinopathy. Also called: ABCA4-related retinoapthy; ABCA4 retinoapthy. Identifiers: MedGen CN322612, MONDO:0800406.
ABCA4-related disorder. Also called: ABCA4-related condition; ABCA4-related disorders. Identifiers: MedGen CN239167.
Benign concentric annular macular dystrophy. Identifiers: Orphanet 251287, MedGen C5561925, MONDO:0007934, OMIM 153870.
Retinal dystrophy. Also called: Inherited retinal dystrophy. Identifiers: Orphanet 71862, MedGen C0854723, MeSH D058499, MONDO:0019118, HP:0000556.
Severe early-childhood-onset retinal dystrophy (STGD1). Also called: MACULAR DYSTROPHY WITH FLECKS, TYPE 1; STGD; Stargardt macular dystrophy; Juvenile onset macular degeneration; Stargardt disease 1. Identifiers: Orphanet 364055, Orphanet 827, MedGen C1855465, MeSH D000080362, MONDO:0009549, OMIM 248200.
Cone-rod dystrophy 3 (CORD3). Identifiers: Orphanet 1872, MedGen C1858806, MONDO:0011395, OMIM 604116.
Age related macular degeneration 2. Also called: MACULAR DEGENERATION, SENILE; MACULOPATHY, AGE-RELATED, 2; MACULOPATHY, AGE-RELATED. Identifiers: MedGen C3495438, MONDO:0007932, OMIM 153800.
Retinitis pigmentosa 19 (RP19). Also called: ABCA4-Related Retinitis Pigmentosa. Identifiers: Orphanet 791, MedGen C1866422, MONDO:0011137, OMIM 601718.
Leber congenital amaurosis (LCA). Also called: Leber's amaurosis. Identifiers: Orphanet 65, MedGen C0339527, MeSH D057130, MONDO:0018998.
Stargardt disease 3. Also called: MACULAR DYSTROPHY WITH FLECKS, TYPE 3; STARGARDT-LIKE MACULAR DYSTROPHY, AUTOSOMAL DOMINANT. Identifiers: Orphanet 827, MedGen C1838644, MONDO:0010819, OMIM 600110.

Allele frequency attached by ClinVar (database versions not stated): TOPMed 0.00002.
gnomAD v4.1: 31 of 1,613,940 alleles (0.0019%); highest among the groups gnomAD compares: East Asian, 0.0022%; no homozygotes.

Submissions 1 to 13 of 21:

ClinGen ABCA4 Variant Curation Expert Panel, Clingen
Classification: Pathogenic for ABCA4-related retinopathy. Last evaluated: 2026-07-28. Review status: reviewed by expert panel. Criteria: ClinGen ABCA4 ACMG Specifications V1.0.0. Collection method: curation. Allele origin: germline. Inheritance: Autosomal recessive inheritance.
Comment: The NM_000350.3(ABCA4):c.2041C>T, p.Arg681Ter variant in ABCA4 is a nonsense variant predicted to cause a premature stop codon in biologically relevant exon 14 of 50 leading to nonsense mediated decay in a gene in which loss-of-function is an established disease mechanism (PVS1). The total minor allele frequency in gnomAD v4.1.1 is 0.00001921 (31/1613940 alleles), which is lower than the ClinGen ABCA4 VCEP’s threshold for PM2_Supporting (<0.0001). The prevalence of the variant in affected individuals is significantly increased compared with the prevalence in controls with an OR of 667.8 and CI of 115.11 to 16384.00, which is above the ABCA4 VCEP threshold of ≥5, where the CI does not contain 1 (PS4; PMID: 35120629). In summary, this variant meets the criteria to be classified as pathogenic for ABCA4-related retinopathy based on the ACMG/AMP criteria applied, as specified by the ClinGen ABCA4 VCEP (Specification Version 1): PVS1, PS4, PM2_Supporting.

Institute of Human Genetics, Heidelberg University
Classification: Pathogenic for Severe early-childhood-onset retinal dystrophy. Last evaluated: 2026-05-29. Review status: criteria provided, single submitter. Criteria: ACMG Guidelines, 2015. Collection method: clinical testing. Allele origin: unknown. Affected: yes. Observed: 1 variant allele. Not counted in ClinVar's aggregate classification.
Comment: PM2_supp, PVS1_vs, PM3_vs

PreventionGenetics, part of Exact Sciences
Classification: Pathogenic for ABCA4-related condition. Last evaluated: 2026-05-12. Review status: criteria provided, single submitter. Criteria: ACMG Guidelines, 2015. Collection method: clinical testing. Allele origin: germline. Not counted in ClinVar's aggregate classification.
Comment: The ABCA4 c.2041C>T variant is predicted to result in premature protein termination (p.Arg681*). This variant has been reported in multiple individuals with ABCA4-associated disease (see for example, Maugeri et al. 1999. PubMed ID: 10090887; Chouchene et al. 2013. PubMed ID: 24342785; Table S2, Del Pozo-Valero et al. 2020. PubMed ID: 32619608; Briggs et al. 2001. PubMed ID: 11527935; Supplementary tables, Holtan et al. 2020. PubMed ID: 31429209; Table S1, Schlottmann et al. 2023. PubMed ID: 37217489; Table S2, Carss et al. 2016. PubMed ID: 28041643). Nonsense variants in ABCA4 are expected to be pathogenic. This variant is reported in 0.0033% of alleles in individuals of South Asian descent in gnomAD. This variant is interpreted as pathogenic.

Women's Health and Genetics/Laboratory Corporation of America, LabCorp
Classification: Pathogenic for Severe early-childhood-onset retinal dystrophy. Last evaluated: 2026-04-27. Review status: criteria provided, single submitter. Criteria: LabCorp Variant Classification Summary - May 2015. Collection method: clinical testing. Allele origin: germline. Not counted in ClinVar's aggregate classification.
Comment: Variant summary: ABCA4 c.2041C>T (p.Arg681X) results in a premature termination codon, predicted to cause a truncation of the encoded protein or absence of the protein due to nonsense mediated decay, which are commonly known mechanisms for disease. The variant allele was found at a frequency of 8e-06 in 251112 control chromosomes. c.2041C>T has been observed in individuals affected with Stargardt disease (e.g. Fujinami_2019). These data indicate that the variant is likely to be associated with disease. The following publication has been ascertained in the context of this evaluation (PMID: 29925512). ClinVar contains an entry for this variant (Variation ID: 99114). Based on the evidence outlined above, the variant was classified as pathogenic.

Labcorp Genetics (formerly Invitae), Labcorp
Classification: Pathogenic. Last evaluated: 2026-01-24. Review status: criteria provided, single submitter. Criteria: Invitae Variant Classification Sherloc (09022015). Collection method: clinical testing. Allele origin: germline. Not counted in ClinVar's aggregate classification.
Comment: This sequence change creates a premature translational stop signal (p.Arg681*) in the ABCA4 gene. It is expected to result in an absent or disrupted protein product. Loss-of-function variants in ABCA4 are known to be pathogenic (PMID: 10958761, 24938718, 25312043, 26780318). This variant is present in population databases (rs61749423, gnomAD 0.003%). This premature translational stop signal has been observed in individual(s) with retinal disease (PMID: 10090887, 25544989, 28041643, 28559085). In at least one individual the data is consistent with being in trans (on the opposite chromosome) from a pathogenic variant. It has also been observed to segregate with disease in related individuals. ClinVar contains an entry for this variant (Variation ID: 99114). For these reasons, this variant has been classified as Pathogenic.

Blueprint Genetics
Classification: Pathogenic for ABCA4-related disorders. Last evaluated: 2024-10-15. Review status: criteria provided, single submitter. Criteria: ACMG Guidelines, 2015. Collection method: clinical testing. Allele origin: germline. Affected: yes. Observed: 5 variant alleles. Not counted in ClinVar's aggregate classification.

Fulgent Genetics
Classification: Pathogenic for Age related macular degeneration 2; Severe early-childhood-onset retinal dystrophy; Retinitis pigmentosa 19; Cone-rod dystrophy 3. Last evaluated: 2024-03-27. Review status: criteria provided, single submitter. Criteria: ACMG Guidelines, 2015. Collection method: clinical testing. Allele origin: germline. Not counted in ClinVar's aggregate classification.

Revvity Omics, Revvity
Classification: Pathogenic. Last evaluated: 2023-11-09. Review status: criteria provided, single submitter. Criteria: ACMG Guidelines, 2015. Collection method: clinical testing. Allele origin: germline. Not counted in ClinVar's aggregate classification.

GeneDx
Classification: Pathogenic. Last evaluated: 2022-04-25. Review status: criteria provided, single submitter. Criteria: GeneDx Variant Classification Process June 2021. Collection method: clinical testing. Allele origin: germline. Affected: yes. Not counted in ClinVar's aggregate classification.
Comment: Nonsense variant predicted to result in protein truncation or nonsense mediated decay in a gene for which loss-of-function is a known mechanism of disease; Not observed at a significant frequency in large population cohorts (gnomAD); This variant is associated with the following publications: (PMID: 25525159, 25544989, 28041643, 28118664, 26872967, 24342785, 24713488, 14517951, 10090887, 29555955, 29925512, 29736279, 28559085, 19074458)

Institute of Human Genetics, Univ. Regensburg, Univ. Regensburg
Classification: Pathogenic for Retinal dystrophy. Last evaluated: 2022-01-01. Review status: criteria provided, single submitter. Criteria: ACMG Guidelines, 2015. Collection method: clinical testing. Allele origin: germline. Affected: yes. Not counted in ClinVar's aggregate classification.

Institute of Medical Genetics and Applied Genomics, University Hospital Tübingen
Classification: Pathogenic. Last evaluated: 2021-06-17. Review status: criteria provided, single submitter. Criteria: ACMG Guidelines, 2015. Collection method: clinical testing. Allele origin: germline. Inheritance: Autosomal recessive inheritance. Affected: yes. Not counted in ClinVar's aggregate classification.

Institute of Medical Molecular Genetics, University of Zurich
Classification: Likely pathogenic for Severe early-childhood-onset retinal dystrophy. Last evaluated: 2021-01-30. Review status: criteria provided, single submitter. Criteria: ACMG Guidelines, 2015. Collection method: clinical testing. Allele origin: germline. Affected: yes. Not counted in ClinVar's aggregate classification.

CeGaT Center for Human Genetics Tuebingen
Classification: Pathogenic. Last evaluated: 2020-07-01. Review status: criteria provided, single submitter. Criteria: CeGaT Center For Human Genetics Tuebingen Variant Classification Criteria Version 2. Collection method: clinical testing. Allele origin: germline. Affected: yes. Observed: 3 variant alleles. Not counted in ClinVar's aggregate classification.